The following is an entry in ClinVar:

NM_032776.3(JMJD1C):c.5255G>A (p.Cys1752Tyr)

Gene: JMJD1C (jumonji domain containing 1C; minus strand). Cytogenetic location: 10q21.3.
Variant type: single nucleotide variant.
Coding change: c.5255G>A on transcript NM_032776.3 (MANE Select); coding-DNA position 5255, G replaced by A.
Protein change: p.Cys1752Tyr; replaces cysteine 1752 with tyrosine.
Molecular consequence: missense variant.
Genome position (GRCh38, 1-based): chr10:63,200,497, C>T on the plus strand (G>A on the coding strand, the complement: JMJD1C is on the minus strand). VCF-style: chr10-63200497-C-T. GRCh37 (hg19) VCF-style: chr10-64960257-C-T.
Other names: c.4709G>A, p.Cys1570Tyr (NM_001282948.2, NM_001318154.2); c.4391G>A, p.Cys1464Tyr (NM_001318153.2); c.5141G>A, p.Cys1714Tyr (NM_001322252.2); c.4598G>A, p.Cys1533Tyr (NM_001322254.2, NM_001322258.2); short protein forms C1533Y, C1714Y, C1464Y, C1570Y, C1752Y.
Identifiers: ClinVar variation 2750135 (VCV002750135.3), dbSNP rs2492566608, ClinGen allele CA377032806.
Genomic context (GRCh38, chr10:63,200,497, plus strand): 5'-AATAAATTACTTTTTTCCCAATCTCATATTTTCACTTACCGTCTAAAGTAGTAAAATCTA[C>T]AAAATACTGGTGAGTGAGCTGGTTCTTCTCCTTTTTTACTGCGAATAAGTCTACATTCTC-3'
Protein context (NP_116165.1, residues 1742-1762): GEEPAHSPVF[Cys1752Tyr]RFYYFRRLSF

ClinVar aggregate classification (germline): Uncertain significance (1 of 4 stars; one submission).

Conditions:
Early Myoclonic Encephalopathy. Identifiers: MedGen C0270855.

Submission:

Labcorp Genetics (formerly Invitae), Labcorp
Classification: Uncertain significance for Early Myoclonic Encephalopathy. Last evaluated: 2023-05-30. Review status: criteria provided, single submitter. Criteria: Invitae Variant Classification Sherloc (09022015). Collection method: clinical testing. Allele origin: germline.
Comment: In summary, the available evidence is currently insufficient to determine the role of this variant in disease. Therefore, it has been classified as a Variant of Uncertain Significance. Advanced modeling of protein sequence and biophysical properties (such as structural, functional, and spatial information, amino acid conservation, physicochemical variation, residue mobility, and thermodynamic stability) performed at Invitae indicates that this missense variant is expected to disrupt JMJD1C protein function. This variant has not been reported in the literature in individuals affected with JMJD1C-related conditions. This variant is not present in population databases (gnomAD no frequency). This sequence change replaces cysteine, which is neutral and slightly polar, with tyrosine, which is neutral and polar, at codon 1752 of the JMJD1C protein (p.Cys1752Tyr).